The following is an entry in ClinVar:

NM_152393.4(KLHL40):c.1110C>A (p.Asn370Lys)

Gene: KLHL40 (kelch like family member 40; plus strand). Cytogenetic location: 3p22.1.
Variant type: single nucleotide variant.
Coding change: c.1110C>A on transcript NM_152393.4 (MANE Select); coding-DNA position 1110, C replaced by A.
Protein change: p.Asn370Lys; replaces asparagine 370 with lysine.
Molecular consequence: missense variant.
Genome position (GRCh38, 1-based): chr3:42,686,728, C>A. VCF-style: chr3-42686728-C-A. GRCh37 (hg19) VCF-style: chr3-42728220-C-A.
Other names: short protein forms N370K.
Identifiers: ClinVar variation 1439632 (VCV001439632.8), dbSNP rs201966674, ClinGen allele CA2336803.

ClinVar aggregate classification (germline): Uncertain significance (1 of 4 stars; one submission).

Conditions:
Nemaline myopathy 8 (NEM8). Also called: Nemaline myopathy 8, autosomal recessive. Identifiers: Orphanet 171430, MedGen C3809209, MONDO:0014138, OMIM 615348.

Allele frequency attached by ClinVar (database versions not stated): gnomAD 0.00001; 1000 Genomes Project 30x 0.00016; 1000 Genomes Project 0.00020.
gnomAD v4.1: 6 of 1,613,106 alleles (0.00037%); highest among the groups gnomAD compares: African/African-American, 0.0067%; no homozygotes.

Submission:

Labcorp Genetics (formerly Invitae), Labcorp
Classification: Uncertain significance for Nemaline myopathy 8. Last evaluated: 2021-06-09. Review status: criteria provided, single submitter. Criteria: Invitae Variant Classification Sherloc (09022015). Collection method: clinical testing. Allele origin: germline.
Comment: This sequence change replaces asparagine with lysine at codon 370 of the KLHL40 protein (p.Asn370Lys). The asparagine residue is highly conserved and there is a moderate physicochemical difference between asparagine and lysine. This variant is present in population databases (rs201966674, ExAC 0.01%). This variant has not been reported in the literature in individuals with KLHL40-related conditions. Algorithms developed to predict the effect of missense changes on protein structure and function are either unavailable or do not agree on the potential impact of this missense change (SIFT: "Deleterious"; PolyPhen-2: "Benign"; Align-GVGD: "Class C0"). In summary, the available evidence is currently insufficient to determine the role of this variant in disease. Therefore, it has been classified as a Variant of Uncertain Significance.